The following is an entry in ClinVar:

NM_014251.3(SLC25A13):c.869T>C (p.Ile290Thr)

Gene: SLC25A13 (solute carrier family 25 member 13; minus strand). Cytogenetic location: 7q21.3.
Variant type: single nucleotide variant.
Coding change: c.869T>C on transcript NM_014251.3 (MANE Select); coding-DNA position 869, T replaced by C.
Protein change: p.Ile290Thr; replaces isoleucine 290 with threonine.
Molecular consequence: missense variant. On other transcripts: non-coding transcript variant (1).
Genome position (GRCh38, 1-based): chr7:96,189,358, A>G on the plus strand (T>C on the coding strand, the complement: SLC25A13 is on the minus strand). VCF-style: chr7-96189358-A-G. GRCh37 (hg19) VCF-style: chr7-95818670-A-G.
Other names: c.869T>C, p.Ile290Thr (NM_001160210.2); c.869T>C (NM_014251.2); short protein forms I290T.
Identifiers: ClinVar variation 2678812 (VCV002678812.5), dbSNP rs143181462, ClinGen allele CA4353114.
Genomic context (GRCh38, chr7:96,189,358, plus strand): 5'-CTCTGGGCCTCAGCCAAGTTAAAGGGCAGAGTTCCCTCTTCCAGAGGAGCAATCCGTTCA[A>G]TGTCTGCTAAGGTCATACGTCTGTAGGGGAAAAACAAACACAAGCAACAAATATACCAAT-3'
Protein context (NP_055066.1, residues 280-300): EPRGRMTLAD[Ile290Thr]ERIAPLEEGT

ClinVar aggregate classification (germline): Conflicting classifications of pathogenicity. Review status: criteria provided, conflicting classifications (1 of 4 stars). 4 submissions from 4 submitters: Likely pathogenic (3); Uncertain significance (1). Last evaluated 2026-01-19.

Conditions:
Citrullinemia, type II, adult-onset (CDAA). Also called: CITRIN DEFICIENCY, ADOLESCENT OR ADULT ONSET. Identifiers: Orphanet 247585, MedGen CN295299, MONDO:0011326, OMIM 603471.
Neonatal intrahepatic cholestasis due to citrin deficiency (CDNI). Also called: Neonatal-onset citrullinemia type II; Neonatal-onset citrullinemia type 2; Neonatal Intrahepatic Cholestasis Caused by Citrin Deficiency (NICCD); CITRIN DEFICIENCY, NEONATAL OR INFANTILE ONSET. Identifiers: Orphanet 247598, MedGen C1853942, MONDO:0011601, OMIM 605814.
Citrullinemia. Identifiers: Orphanet 187, MedGen C0175683, MONDO:0015991.
Citrin deficiency. Identifiers: Orphanet 247582, MedGen C1997910, MONDO:0016602.

Allele frequency attached by ClinVar (database versions not stated): ExAC 0.00001; gnomAD 0.00002; ESP Exome Variant Server 0.00015; gnomAD exomes 0.00001; TOPMed 0.00003.

Submissions (4):

Labcorp Genetics (formerly Invitae), Labcorp
Classification: Uncertain significance for Citrin deficiency. Last evaluated: 2026-01-19. Review status: criteria provided, single submitter. Criteria: Invitae Variant Classification Sherloc (09022015). Collection method: clinical testing. Allele origin: germline.
Comment: This sequence change replaces isoleucine, which is neutral and non-polar, with threonine, which is neutral and polar, at codon 290 of the SLC25A13 protein (p.Ile290Thr). This variant is present in population databases (rs143181462, gnomAD 0.002%). This missense change has been observed in individual(s) with citrin deficiency (PMID: 25947987, 26852511). In at least one individual the data is consistent with being in trans (on the opposite chromosome) from a pathogenic variant. ClinVar contains an entry for this variant (Variation ID: 2678812). Invitae Evidence Modeling of protein sequence and biophysical properties (such as structural, functional, and spatial information, amino acid conservation, physicochemical variation, residue mobility, and thermodynamic stability) indicates that this missense variant is not expected to disrupt SLC25A13 protein function with a negative predictive value of 80%. In summary, the available evidence is currently insufficient to determine the role of this variant in disease. Therefore, it has been classified as a Variant of Uncertain Significance.

Natera, Inc.
Classification: Likely pathogenic for Citrullinemia. Last evaluated: 2024-07-02. Review status: criteria provided, single submitter. Criteria: Natera Variant Classification Schema (03/2026). Collection method: clinical testing. Allele origin: germline.
Comment: The c.869T>C variant in SLC25A13 is a missense variant predicted to cause substitution of isoleucine to threonine at amino acid 290. This variant is rare in the general population with a frequency below the threshold expected for the associated phenotype(s). This variant has been observed in one or more individuals affected with the associated recessive disease, as either homozygous or compound heterozygous with a second variant (PMID: 26852511, 25947987). This variant has been identified in one or more affected individuals with a phenotype highly consistent with the associated gene (PMID: 26852511). Computational prediction algorithms indicate this variant is likely to affect gene or protein function. Given the available evidence, this variant is classified as Likely Pathogenic.

Fulgent Genetics
Classification: Likely pathogenic for Citrullinemia, type II, adult-onset; Neonatal intrahepatic cholestasis due to citrin deficiency. Last evaluated: 2024-05-20. Review status: criteria provided, single submitter. Criteria: ACMG Guidelines, 2015. Collection method: clinical testing. Allele origin: germline.

Baylor Genetics
Classification: Likely pathogenic for Citrullinemia, type II, adult-onset. Last evaluated: 2024-03-27. Review status: criteria provided, single submitter. Criteria: ACMG Guidelines, 2015. Collection method: clinical testing. Allele origin: unknown.

Literature cited by the submitters: PubMed 25947987 (cited by Labcorp Genetics (formerly Invitae), Labcorp and Natera, Inc.); PubMed 26852511 (cited by Labcorp Genetics (formerly Invitae), Labcorp and Natera, Inc.).